The following is an entry in ClinVar:

NM_176787.5(PIGN):c.1859+6A>C

Gene: PIGN (phosphatidylinositol glycan anchor biosynthesis class N; minus strand). Cytogenetic location: 18q21.33.
Variant type: single nucleotide variant.
Coding change: c.1859+6A>C on transcript NM_176787.5 (MANE Select); 6 bases into the intron after coding-DNA position 1859, A replaced by C.
Molecular consequence: intron variant.
Genome position (GRCh38, 1-based): chr18:62,105,537, T>G on the plus strand (A>C on the coding strand, the complement: PIGN is on the minus strand). VCF-style: chr18-62105537-T-G. GRCh37 (hg19) VCF-style: chr18-59772770-T-G.
Other names: c.1859+6A>C (NM_012327.6).
Identifiers: ClinVar variation 1059680 (VCV001059680.4), dbSNP rs1198396774, ClinGen allele CA504067384.
Genomic context (GRCh38, chr18:62,105,537, plus strand): 5'-TTTACAGTGTTAATTGAGGAAAAAAAAGTGTATTGAAAATAGAATAAAATACAATATTAT[T>G]CATACACTAGAGAGATGTCTGGCTTTCGACCTACAACCGGCATCAGTGGGAACACTGCCA-3'

ClinVar aggregate classification (germline): Uncertain significance (1 of 4 stars; one submission).

Conditions:
Multiple congenital anomalies-hypotonia-seizures syndrome 1 (MCAHS1). Also called: PIGN-CDG; Congenital disorder of glycosylation due to PIGN deficiency; GLYCOSYLPHOSPHATIDYLINOSITOL BIOSYNTHESIS DEFECT 3. Identifiers: Orphanet 280633, MedGen C3279775, MONDO:0013563, OMIM 614080.

Allele frequency attached by ClinVar (database versions not stated): TOPMed below 0.00001; gnomAD 0.00001.

Submission:

Labcorp Genetics (formerly Invitae), Labcorp
Classification: Uncertain significance for Multiple congenital anomalies-hypotonia-seizures syndrome 1. Last evaluated: 2020-10-16. Review status: criteria provided, single submitter. Criteria: Invitae Variant Classification Sherloc (09022015). Collection method: clinical testing. Allele origin: germline.
Comment: This sequence change falls in intron 20 of the PIGN gene. It does not directly change the encoded amino acid sequence of the PIGN protein. It affects a nucleotide within the consensus splice site of the intron. This variant is not present in population databases (ExAC no frequency). This variant has not been reported in the literature in individuals with PIGN-related conditions. Nucleotide substitutions within the consensus splice site are a relatively common cause of aberrant splicing (PMID: 17576681, 9536098). Algorithms developed to predict the effect of sequence changes on RNA splicing suggest that this variant is not likely to affect RNA splicing, but this prediction has not been confirmed by published transcriptional studies. In summary, the available evidence is currently insufficient to determine the role of this variant in disease. Therefore, it has been classified as a Variant of Uncertain Significance.

Literature cited by the submitters: PubMed 17576681; PubMed 9536098.